The following is an entry in ClinVar:

NM_000489.6(ATRX):c.7024G>A (p.Val2342Met)

Gene: ATRX (ATRX chromatin remodeler; minus strand). Cytogenetic location: Xq21.1.
Variant type: single nucleotide variant.
Coding change: c.7024G>A on transcript NM_000489.6 (MANE Select); coding-DNA position 7024, G replaced by A.
Protein change: p.Val2342Met; replaces valine 2342 with methionine.
Molecular consequence: missense variant.
Genome position (GRCh38, 1-based): chrX:77,521,450, C>T on the plus strand (G>A on the coding strand, the complement: ATRX is on the minus strand). VCF-style: chrX-77521450-C-T. GRCh37 (hg19) VCF-style: chrX-76776928-C-T.
Other names: c.7024G>A (NM_000489.3); c.6910G>A, p.Val2304Met (NM_138270.5); short protein forms V2304M, V2342M.
Identifiers: ClinVar variation 2049710 (VCV002049710.5), dbSNP rs2063229309, ClinGen allele CA413707818.

ClinVar aggregate classification (germline): Uncertain significance. Review status: criteria provided, multiple submitters, no conflicts (2 of 4 stars). 2 submissions from 2 submitters: Uncertain significance (2). Last evaluated 2024-12-17.

Conditions:
Alpha thalassemia-X-linked intellectual disability syndrome (ATRX). Also called: ALPHA-THALASSEMIA/MENTAL RETARDATION SYNDROME, X-LINKED; ATR, NONDELETION TYPE; ATR-X syndrome; Alpha thalassemia mental retardation syndrome, nondeletion type, X-linked; XLMR hypotonic face syndrome; X-linked alpha-thalassemia-mental retardation syndrome. Identifiers: Orphanet 847, MedGen C1845055, MONDO:0010519, OMIM 301040.

Submissions (2):

Labcorp Genetics (formerly Invitae), Labcorp
Classification: Uncertain significance for Alpha thalassemia-X-linked intellectual disability syndrome. Last evaluated: 2024-12-17. Review status: criteria provided, single submitter. Criteria: Invitae Variant Classification Sherloc (09022015). Collection method: clinical testing. Allele origin: germline.
Comment: This sequence change replaces valine, which is neutral and non-polar, with methionine, which is neutral and non-polar, at codon 2342 of the ATRX protein (p.Val2342Met). This variant is not present in population databases (gnomAD no frequency). This variant has not been reported in the literature in individuals affected with ATRX-related conditions. ClinVar contains an entry for this variant (Variation ID: 2049710). Invitae Evidence Modeling of protein sequence and biophysical properties (such as structural, functional, and spatial information, amino acid conservation, physicochemical variation, residue mobility, and thermodynamic stability) indicates that this missense variant is not expected to disrupt ATRX protein function with a negative predictive value of 95%. In summary, the available evidence is currently insufficient to determine the role of this variant in disease. Therefore, it has been classified as a Variant of Uncertain Significance.

GeneDx
Classification: Uncertain significance. Last evaluated: 2022-11-14. Review status: criteria provided, single submitter. Criteria: GeneDx Variant Classification Process June 2021. Collection method: clinical testing. Allele origin: germline. Affected: yes.
Comment: Not observed at significant frequency in large population cohorts (gnomAD); In silico analysis supports that this missense variant does not alter protein structure/function; Has not been previously published as pathogenic or benign to our knowledge